The following is an entry in ClinVar:

NM_006397.3(RNASEH2A):c.530C>T (p.Ala177Val)

Gene: RNASEH2A (ribonuclease H2 subunit A; plus strand). Cytogenetic location: 19p13.13.
Variant type: single nucleotide variant.
Coding change: c.530C>T on transcript NM_006397.3 (MANE Select); coding-DNA position 530, C replaced by T.
Protein change: p.Ala177Val; replaces alanine 177 with valine.
Molecular consequence: missense variant.
Genome position (GRCh38, 1-based): chr19:12,810,189, C>T. VCF-style: chr19-12810189-C-T. GRCh37 (hg19) VCF-style: chr19-12921003-C-T.
Other names: short protein forms A177V.
Identifiers: ClinVar variation 1510293 (VCV001510293.8), dbSNP rs2145827698, ClinGen allele CA404267115.

ClinVar aggregate classification (germline): Uncertain significance (1 of 4 stars; one submission).

Conditions:
Aicardi-Goutieres syndrome 4. Identifiers: Orphanet 51, MedGen C1835912, MONDO:0012472, OMIM 610333.

Submission:

Labcorp Genetics (formerly Invitae), Labcorp
Classification: Uncertain significance for Aicardi-Goutieres syndrome 4. Last evaluated: 2021-06-18. Review status: criteria provided, single submitter. Criteria: Invitae Variant Classification Sherloc (09022015). Collection method: clinical testing. Allele origin: germline.
Comment: In summary, the available evidence is currently insufficient to determine the role of this variant in disease. Therefore, it has been classified as a Variant of Uncertain Significance. Algorithms developed to predict the effect of missense changes on protein structure and function are either unavailable or do not agree on the potential impact of this missense change (SIFT: "Tolerated"; PolyPhen-2: "Probably Damaging"; Align-GVGD: "Class C0"). This variant has not been reported in the literature in individuals with RNASEH2A-related conditions. This variant is not present in population databases (ExAC no frequency). This sequence change replaces alanine with valine at codon 177 of the RNASEH2A protein (p.Ala177Val). The alanine residue is highly conserved and there is a small physicochemical difference between alanine and valine.